The following is an entry in ClinVar:

ClinVar aggregate classification (germline): Uncertain significance (1 of 4 stars; one submission).

Submission:

Labcorp Genetics (formerly Invitae), Labcorp
Classification: Uncertain significance. Last evaluated: 2022-08-19. Review status: criteria provided, single submitter. Criteria: Invitae Variant Classification Sherloc (09022015). Collection method: clinical testing. Allele origin: germline.
Comment: Advanced modeling of protein sequence and biophysical properties (such as structural, functional, and spatial information, amino acid conservation, physicochemical variation, residue mobility, and thermodynamic stability) performed at Invitae indicates that this missense variant is not expected to disrupt RP1L1 protein function. In summary, the available evidence is currently insufficient to determine the role of this variant in disease. Therefore, it has been classified as a Variant of Uncertain Significance. This variant has not been reported in the literature in individuals affected with RP1L1-related conditions. This variant is not present in population databases (gnomAD no frequency). This sequence change replaces glutamine, which is neutral and polar, with glutamic acid, which is acidic and polar, at codon 166 of the RP1L1 protein (p.Gln166Glu).

NM_178857.6(RP1L1):c.496C>G (p.Gln166Glu)

Gene: RP1L1 (RP1 like 1). Cytogenetic location: 8p23.1.
Variant type: single nucleotide variant.
Coding change: c.496C>G on transcript NM_178857.6 (MANE Select); coding-DNA position 496, C replaced by G.
Protein change: p.Gln166Glu; replaces glutamine 166 with glutamic acid.
Molecular consequence: missense variant.
Genome position (GRCh38, 1-based): chr8:10,622,706, G>C on the plus strand (C>G on the coding strand, the complement: RP1L1 is on the minus strand). VCF-style: chr8-10622706-G-C. GRCh37 (hg19) VCF-style: chr8-10480216-G-C.
Other names: short protein forms Q166E.
Identifiers: ClinVar variation 1716803 (VCV001716803.5), dbSNP rs1798082075, ClinGen allele CA370299991.